The following is an entry in ClinVar:

ClinVar aggregate classification (germline): Uncertain significance (1 of 4 stars; one submission).

Conditions:
Cardiovascular phenotype. Identifiers: MedGen CN230736.

gnomAD v4.1: 1 of 1,614,182 alleles (0.000062%); highest among the groups gnomAD compares: Non-Finnish European, 0.000085%; no homozygotes.

Submission:

Molecular Diagnostic Laboratory for Inherited Cardiovascular Disease, Montreal Heart Institute
Classification: Uncertain significance for Cardiovascular phenotype. Last evaluated: 2025-04-09. Review status: criteria provided, single submitter. Criteria: ACMG Guidelines, 2015. Collection method: clinical testing. Allele origin: germline. Affected: yes.
Comment: PM2, PP3

NM_001103.4(ACTN2):c.260C>G (p.Pro87Arg)

Gene: ACTN2 (actinin alpha 2; plus strand). Cytogenetic location: 1q43.
Variant type: single nucleotide variant.
Coding change: c.260C>G on transcript NM_001103.4 (MANE Select); coding-DNA position 260, C replaced by G.
Protein change: p.Pro87Arg; replaces proline 87 with arginine.
Molecular consequence: missense variant. On other transcripts: non-coding transcript variant (1).
Genome position (GRCh38, 1-based): chr1:236,718,912, C>G. VCF-style: chr1-236718912-C-G. GRCh37 (hg19) VCF-style: chr1-236882212-C-G.
Other names: c.260C>G, p.Pro87Arg (NM_001278343.2); short protein forms P87R.
Identifiers: ClinVar variation 3894679 (VCV003894679.1).
Genomic context (GRCh38, chr1:236,718,912, plus strand): 5'-TCACTGTCTCTATGTCTGCATGATTCTCTTTTCATCCAACAGGGGAAAGGCTGCCCAAAC[C>G]TGACCGGGGAAAAATGCGGTTCCACAAAATTGCTAATGTCAACAAAGCTTTGGATTACAT-3'
Protein context (NP_001094.1, residues 77-97): EVISGERLPK[Pro87Arg]DRGKMRFHKI